The following is an entry in ClinVar:

NM_014780.5(CUL7):c.4955T>C (p.Val1652Ala)

Gene: CUL7 (cullin 7; minus strand). Cytogenetic location: 6p21.1.
Variant type: single nucleotide variant.
Coding change: c.4955T>C on transcript NM_014780.5 (MANE Select); coding-DNA position 4955, T replaced by C.
Protein change: p.Val1652Ala; replaces valine 1652 with alanine.
Molecular consequence: missense variant.
Genome position (GRCh38, 1-based): chr6:43,037,830, A>G on the plus strand (T>C on the coding strand, the complement: CUL7 is on the minus strand). VCF-style: chr6-43037830-A-G. GRCh37 (hg19) VCF-style: chr6-43005568-A-G.
Other names: c.5051T>C, p.Val1684Ala (NM_001168370.2, NM_001374872.1); c.4967T>C, p.Val1656Ala (NM_001374873.1); c.4952T>C, p.Val1651Ala (NM_001374874.1); c.4955T>C (NM_014780.4); short protein forms V1656A, V1651A, V1652A, V1684A.
Identifiers: ClinVar variation 2051935 (VCV002051935.3), dbSNP rs369627224, ClinGen allele CA3813069.
Genomic context (GRCh38, chr6:43,037,830, plus strand): 5'-GTGAGGGGTGGGTTGGGGCCTGAGGAGCCTGGGTTCAGGGACTCAGTGTGAGGCTCCATG[A>G]CAGTCACAGGGACTGCATAGGACAGCACCTGGGGCCGGTCGTCATGGCGTCTCAGCGTGC-3'
Protein context (NP_055595.2, residues 1642-1662): QVLSYAVPVT[Val1652Ala]MEPHTESLNP

ClinVar aggregate classification (germline): Uncertain significance. Review status: criteria provided, multiple submitters, no conflicts (2 of 4 stars). 2 submissions from 2 submitters: Uncertain significance (2). Last evaluated 2024-07-25.

Conditions:
Inborn genetic diseases. Identifiers: MedGen C0950123, MeSH D030342.

Allele frequency attached by ClinVar (database versions not stated): gnomAD exomes 0.00001; ExAC 0.00009; 1000 Genomes Project 30x 0.00016; 1000 Genomes Project 0.00020; TOPMed 0.00020; gnomAD 0.00026; ESP Exome Variant Server 0.00031.
gnomAD v4.1: 52 of 1,612,228 alleles (0.0032%); highest among the groups gnomAD compares: African/African-American, 0.067%; no homozygotes.

Submissions (2):

Ambry Genetics
Classification: Uncertain significance for Inborn genetic diseases. Last evaluated: 2024-07-25. Review status: criteria provided, single submitter. Criteria: Ambry Variant Classification Scheme 2023. Collection method: clinical testing. Allele origin: germline.

Labcorp Genetics (formerly Invitae), Labcorp
Classification: Uncertain significance. Last evaluated: 2023-11-27. Review status: criteria provided, single submitter. Criteria: Invitae Variant Classification Sherloc (09022015). Collection method: clinical testing. Allele origin: germline.
Comment: This sequence change replaces valine, which is neutral and non-polar, with alanine, which is neutral and non-polar, at codon 1652 of the CUL7 protein (p.Val1652Ala). This variant is present in population databases (rs369627224, gnomAD 0.06%). This variant has not been reported in the literature in individuals affected with CUL7-related conditions. ClinVar contains an entry for this variant (Variation ID: 2051935). Advanced modeling of protein sequence and biophysical properties (such as structural, functional, and spatial information, amino acid conservation, physicochemical variation, residue mobility, and thermodynamic stability) performed at Invitae indicates that this missense variant is not expected to disrupt CUL7 protein function with a negative predictive value of 80%. In summary, the available evidence is currently insufficient to determine the role of this variant in disease. Therefore, it has been classified as a Variant of Uncertain Significance.